The following is an entry in ClinVar:

ClinVar aggregate classification (germline): Pathogenic. Review status: criteria provided, multiple submitters, no conflicts (2 of 4 stars). 2 submissions from 2 submitters: Pathogenic (2). Last evaluated 2026-01-28.

Conditions:
Hypertrophic cardiomyopathy 4. Also called: Familial hypertrophic cardiomyopathy 4. Identifiers: MedGen C1861862, MONDO:0007268, OMIM 115197.
Hypertrophic cardiomyopathy. Also called: HYPERTROPHIC MYOCARDIOPATHY. Identifiers: Orphanet 217569, MedGen C0007194, MeSH D002312, MONDO:0005045, HP:0001639.

Submissions (2):

3billion
Classification: Pathogenic for Hypertrophic cardiomyopathy 4. Last evaluated: 2026-01-28. Review status: criteria provided, single submitter. Criteria: ACMG Guidelines, 2015. Collection method: clinical testing. Allele origin: germline. Affected: yes.
Comment: The variant is not observed in the gnomAD v4.1.0 dataset. Predicted Consequence/Location: Stop-gained (nonsense): predicted to result in a loss or disruption of normal protein function through nonsense-mediated decay (NMD) or protein truncation. Multiple pathogenic variants are reported downstream of the variant. The variant has been reported at least twice as pathogenic without evidence for the classification (ClinVar ID: VCV001074339 /PMID: 32492895 /3billion dataset). Therefore, this variant is classified as Pathogenic according to the recommendation of ACMG/AMP guideline.

Labcorp Genetics (formerly Invitae), Labcorp
Classification: Pathogenic for Hypertrophic cardiomyopathy. Last evaluated: 2025-07-23. Review status: criteria provided, single submitter. Criteria: Invitae Variant Classification Sherloc (09022015). Collection method: clinical testing. Allele origin: germline.
Comment: This sequence change creates a premature translational stop signal (p.Glu722*) in the MYBPC3 gene. It is expected to result in an absent or disrupted protein product. Loss-of-function variants in MYBPC3 are known to be pathogenic (PMID: 19574547). This variant is not present in population databases (gnomAD no frequency). This premature translational stop signal has been observed in individual(s) with hypertrophic cardiomyopathy (PMID: 32492895). ClinVar contains an entry for this variant (Variation ID: 1074339). For these reasons, this variant has been classified as Pathogenic.

Literature cited by the submitters: PubMed 32492895 (cited by 3billion and Labcorp Genetics (formerly Invitae), Labcorp); PubMed 19574547 (cited by Labcorp Genetics (formerly Invitae), Labcorp).

NM_000256.3(MYBPC3):c.2164G>T (p.Glu722Ter)

Gene: MYBPC3 (myosin binding protein C3; minus strand). Cytogenetic location: 11p11.2.
Variant type: single nucleotide variant.
Coding change: c.2164G>T on transcript NM_000256.3 (MANE Select); coding-DNA position 2164, G replaced by T.
Protein change: p.Glu722Ter; replaces glutamic acid 722 with a stop codon.
Molecular consequence: nonsense.
Genome position (GRCh38, 1-based): chr11:47,338,664, C>A on the plus strand (G>T on the coding strand, the complement: MYBPC3 is on the minus strand). VCF-style: chr11-47338664-C-A. GRCh37 (hg19) VCF-style: chr11-47360215-C-A.
Other names: short protein forms E722*.
Identifiers: ClinVar variation 1074339 (VCV001074339.12), dbSNP rs730880696, ClinGen allele CA380320611.
Genomic context (GRCh38, chr11:47,338,664, plus strand): 5'-CTGCCCCCTCGACCGTGAAGATGCTGCGGTCCTTGGTGGTCTCCACGCGGACCCGGCCCT[C>A]GGTCTCACACAGCAGCTGGGGGGGTGCAGAGTTGGGGTGAGATCCAAGTCAGACCCCAGA-3'